The following is an entry in ClinVar:

NM_001040142.2(SCN2A):c.5023G>T (p.Ala1675Ser)

Gene: SCN2A (sodium voltage-gated channel alpha subunit 2; plus strand). Cytogenetic location: 2q24.3.
Variant type: single nucleotide variant.
Coding change: c.5023G>T on transcript NM_001040142.2 (MANE Select); coding-DNA position 5023, G replaced by T.
Protein change: p.Ala1675Ser; replaces alanine 1675 with serine.
Molecular consequence: missense variant.
Genome position (GRCh38, 1-based): chr2:165,388,829, G>T. VCF-style: chr2-165388829-G-T. GRCh37 (hg19) VCF-style: chr2-166245339-G-T.
Other names: c.5023G>T, p.Ala1675Ser (NM_001040143.2, NM_001371246.1, NM_001371247.1 and 1 more transcripts); short protein forms A1675S.
Identifiers: ClinVar variation 3793184 (VCV003793184.2).
Genomic context (GRCh38, chr2:165,388,829, plus strand): 5'-ATGTCCCTTCCTGCGTTGTTTAACATCGGCCTCCTTCTTTTCCTGGTCATGTTCATCTAC[G>T]CCATCTTTGGGATGTCCAATTTTGCCTATGTTAAGAGGGAAGTTGGGATCGATGACATGT-3'
Protein context (NP_001035232.1, residues 1665-1685): LLLFLVMFIY[Ala1675Ser]IFGMSNFAYV

ClinVar aggregate classification (germline): Uncertain significance (1 of 4 stars; one submission).

Conditions:
Inborn genetic diseases. Identifiers: MedGen C0950123, MeSH D030342.

Submission:

Ambry Genetics
Classification: Uncertain significance for Inborn genetic diseases. Last evaluated: 2025-05-06. Review status: criteria provided, single submitter. Criteria: Ambry Variant Classification Scheme 2023. Collection method: clinical testing. Allele origin: germline.
Comment: The c.5023G>T (p.A1675S) alteration is located in exon 27 (coding exon 26) of the SCN2A gene. This alteration results from a G to T substitution at nucleotide position 5023, causing the alanine (A) at amino acid position 1675 to be replaced by a serine (S). This variant was not reported in population-based cohorts in the Genome Aggregation Database (gnomAD). This amino acid position is well conserved in available vertebrate species. The in silico prediction for this alteration is inconclusive. Based on insufficient or conflicting evidence, the clinical significance of this alteration remains unclear.